The following is an entry in ClinVar:

ClinVar aggregate classification (germline): Likely benign. Review status: criteria provided, multiple submitters, no conflicts (2 of 4 stars). 2 submissions from 2 submitters: Likely benign (2). Last evaluated 2023-08-10.

Allele frequency attached by ClinVar (database versions not stated): gnomAD 0.00001; TOPMed 0.00001.
gnomAD v4.1: 1 of 1,614,018 alleles (0.000062%); highest among the groups gnomAD compares: African/African-American, 0.0013%; no homozygotes.

Submissions (2):

Labcorp Genetics (formerly Invitae), Labcorp
Classification: Likely benign. Last evaluated: 2023-08-10. Review status: criteria provided, single submitter. Criteria: Invitae Variant Classification Sherloc (09022015). Collection method: clinical testing. Allele origin: germline.

CeGaT Center for Human Genetics Tuebingen
Classification: Likely benign. Last evaluated: 2022-10-01. Review status: criteria provided, single submitter. Criteria: CeGaT Center For Human Genetics Tuebingen Variant Classification Criteria Version 2. Collection method: clinical testing. Allele origin: germline. Affected: yes. Observed: 1 variant allele.
Comment: UBR1: BP4, BP7

NM_174916.3(UBR1):c.4581A>G (p.Glu1527=)

Gene: UBR1 (ubiquitin protein ligase E3 component n-recognin 1; minus strand). Cytogenetic location: 15q15.2.
Variant type: single nucleotide variant.
Coding change: c.4581A>G on transcript NM_174916.3 (MANE Select); coding-DNA position 4581, A replaced by G.
Protein change: p.Glu1527=; no amino-acid change (glutamic acid 1527 retained).
Molecular consequence: synonymous variant.
Genome position (GRCh38, 1-based): chr15:42,966,163, T>C on the plus strand (A>G on the coding strand, the complement: UBR1 is on the minus strand). VCF-style: chr15-42966163-T-C. GRCh37 (hg19) VCF-style: chr15-43258361-T-C.
Identifiers: ClinVar variation 1529021 (VCV001529021.31), dbSNP rs1195446217, ClinGen allele CA489897040.